The following is an entry in ClinVar:

ClinVar aggregate classification (germline): Conflicting classifications of pathogenicity. Review status: criteria provided, conflicting classifications (1 of 4 stars). 5 submissions from 5 submitters: Uncertain significance (4); Likely benign (1). Last evaluated 2026-01-22.

Conditions:
Collagen 6-related myopathy. Identifiers: MedGen CN117976, MONDO:0100225.
Bethlem myopathy 1A. Also called: MYOPATHY, BENIGN CONGENITAL, WITH CONTRACTURES; Bethlem myopathy 1; Bethlem Muscular Dystrophy. Identifiers: Orphanet 610, MedGen CN029274, MONDO:0024530, OMIM 158810.

Allele frequency attached by ClinVar (database versions not stated): gnomAD 0.00010 and 0.00011; gnomAD exomes 0.00007 and 0.00016; ExAC 0.00014; TOPMed 0.00010.
gnomAD v4.1: 111 of 1,552,710 alleles (0.0071%); highest among the groups gnomAD compares: Non-Finnish European, 0.0029%; no homozygotes.

Submissions (5):

GeneDx
Classification: Uncertain significance. Last evaluated: 2026-01-22. Review status: criteria provided, single submitter. Criteria: GeneDx Variant Classification Process June 2021. Collection method: clinical testing. Allele origin: germline.
Comment: In silico analysis suggests that this missense variant does not alter protein structure/function; Has not been previously published as pathogenic or benign to our knowledge

Labcorp Genetics (formerly Invitae), Labcorp
Classification: Likely benign for Bethlem myopathy 1A. Last evaluated: 2025-09-15. Review status: criteria provided, single submitter. Criteria: Invitae Variant Classification Sherloc (09022015). Collection method: clinical testing. Allele origin: germline.

Revvity Omics, Revvity
Classification: Uncertain significance. Last evaluated: 2022-07-15. Review status: criteria provided, single submitter. Criteria: ACMG Guidelines, 2015. Collection method: clinical testing. Allele origin: germline.

Illumina Laboratory Services, Illumina
Classification: Uncertain significance for Collagen VI-related myopathy. Last evaluated: 2017-04-27. Review status: criteria provided, single submitter. Criteria: ICSL Variant Classification Criteria 13 December 2019. Collection method: clinical testing. Allele origin: germline.

Eurofins Ntd Llc (ga)
Classification: Uncertain significance. Last evaluated: 2015-09-14. Review status: criteria provided, single submitter. Criteria: EGL Classification Definitions 2015. Collection method: clinical testing. Allele origin: germline. Observed: 2 variant alleles, 2 heterozygotes.

NM_001848.3(COL6A1):c.539A>G (p.Lys180Arg)

Gene: COL6A1 (collagen type VI alpha 1 chain; plus strand). Cytogenetic location: 21q22.3.
Variant type: single nucleotide variant.
Coding change: c.539A>G on transcript NM_001848.3 (MANE Select); coding-DNA position 539, A replaced by G.
Protein change: p.Lys180Arg; replaces lysine 180 with arginine.
Molecular consequence: missense variant.
Genome position (GRCh38, 1-based): chr21:45,986,636, A>G. VCF-style: chr21-45986636-A-G. GRCh37 (hg19) VCF-style: chr21-47406550-A-G.
Other names: short protein forms K180R.
Identifiers: ClinVar variation 283031 (VCV000283031.21), dbSNP rs756141940, ClinGen allele CA10069599.